The following is an entry in ClinVar:

NM_006922.4(SCN3A):c.2922+4T>A

Gene: SCN3A (sodium voltage-gated channel alpha subunit 3; minus strand). Cytogenetic location: 2q24.3.
Variant type: single nucleotide variant.
Coding change: c.2922+4T>A on transcript NM_006922.4 (MANE Select); 4 bases into the intron after coding-DNA position 2922, T replaced by A.
Molecular consequence: intron variant.
Genome position (GRCh38, 1-based): chr2:165,129,936, A>T on the plus strand (T>A on the coding strand, the complement: SCN3A is on the minus strand). VCF-style: chr2-165129936-A-T. GRCh37 (hg19) VCF-style: chr2-165986446-A-T.
Other names: c.2775+4T>A (NM_001081676.2, NM_001081677.2).
Identifiers: ClinVar variation 1348128 (VCV001348128.6), dbSNP rs748261478, ClinGen allele CA1938889.
Genomic context (GRCh38, chr2:165,129,936, plus strand): 5'-GGCCACGTTCCTAGCTACTGTCTGCTCTTGTTCTAATTTATGAGCATTTGTACTACATAC[A>T]TACCACAAGGTTTCCAATGACCATGACCAACATGAAAACAATAAGGCACATGGTTTGGCC-3'

ClinVar aggregate classification (germline): Uncertain significance (1 of 4 stars; one submission).

Allele frequency attached by ClinVar (database versions not stated): ExAC 0.00001; gnomAD exomes 0.00001.
gnomAD v4.1: 3 of 1,614,004 alleles (0.00019%); highest among the groups gnomAD compares: Admixed American, 0.0033%; no homozygotes.

Submission:

Labcorp Genetics (formerly Invitae), Labcorp
Classification: Uncertain significance. Last evaluated: 2022-11-01. Review status: criteria provided, single submitter. Criteria: Invitae Variant Classification Sherloc (09022015). Collection method: clinical testing. Allele origin: germline.
Comment: In summary, the available evidence is currently insufficient to determine the role of this variant in disease. Therefore, it has been classified as a Variant of Uncertain Significance. Variants that disrupt the consensus splice site are a relatively common cause of aberrant splicing (PMID: 17576681, 9536098). Algorithms developed to predict the effect of sequence changes on RNA splicing suggest that this variant is not likely to affect RNA splicing. ClinVar contains an entry for this variant (Variation ID: 1348128). This variant has not been reported in the literature in individuals affected with SCN3A-related conditions. This variant is present in population databases (rs748261478, gnomAD 0.006%). This sequence change falls in intron 17 of the SCN3A gene. It does not directly change the encoded amino acid sequence of the SCN3A protein. It affects a nucleotide within the consensus splice site.

Literature cited by the submitters: PubMed 17576681; PubMed 9536098.